The following is an entry in ClinVar:

ClinVar aggregate classification (germline): Pathogenic/Likely pathogenic. Review status: criteria provided, multiple submitters, no conflicts (2 of 4 stars). 5 submissions from 5 submitters: Pathogenic (3); Likely pathogenic (1). 1 of the submissions does not count toward it. Last evaluated 2026-05-01.

Conditions:
Thrombocytopenia. Identifiers: MedGen C0040034, MeSH D013921, MONDO:0002049, HP:0001873.

Allele frequency attached by ClinVar (database versions not stated): gnomAD exomes below 0.00001.
gnomAD v4.1: 1 of 1,447,256 alleles (0.000069%); highest among the groups gnomAD compares: East Asian, 0.0023%; no homozygotes.

Submissions (5):

CeGaT Center for Human Genetics Tuebingen
Classification: Pathogenic. Last evaluated: 2026-05-01. Review status: criteria provided, single submitter. Criteria: CeGaT Center For Human Genetics Tuebingen Variant Classification Criteria Version 2. Collection method: clinical testing. Allele origin: germline. Affected: yes. Observed: 1 variant allele.
Comment: ANKRD26: PP1:Strong, PM1, PM2, PS4:Moderate

GeneDx
Classification: Pathogenic. Last evaluated: 2026-04-06. Review status: criteria provided, single submitter. Criteria: GeneDx Variant Classification Process June 2021. Collection method: clinical testing. Allele origin: germline.
Comment: Located in a regulatory region; in the absence of functional studies, the actual effect of this sequence change is unknown; Located in 5' untranslated region, which is intolerant to change; No data available from control populations to assess the frequency of this variant; This variant is associated with the following publications: (PMID: 32581362, 36651276, 28669401, 25902755, 35796010, 35587581, 24030261, 29545013, 24430186, 21467542, 40863182, ZhangW_2026_Preprint, Banaszak2025[ABSTRACT])

Labcorp Genetics (formerly Invitae), Labcorp
Classification: Pathogenic. Last evaluated: 2025-12-06. Review status: criteria provided, single submitter. Criteria: Invitae Variant Classification Sherloc (09022015). Collection method: clinical testing. Allele origin: germline.
Comment: This variant occurs in a non-coding region of the ANKRD26 gene. It does not change the encoded amino acid sequence of the ANKRD26 protein. This variant is not present in population databases (gnomAD no frequency). This variant has been observed in individual(s) with thrombocytopenia (PMID: 21467542, 25902755, 35587581, 35796010). It has also been observed to segregate with disease in related individuals. ClinVar contains an entry for this variant (Variation ID: 812726). For these reasons, this variant has been classified as Pathogenic.

Mayo Clinic Laboratories, Mayo Clinic
Classification: Likely pathogenic. Last evaluated: 2025-08-12. Review status: criteria provided, single submitter. Criteria: ACMG Guidelines, 2015. Collection method: clinical testing. Allele origin: germline. Observed: 1 variant allele.
Comment: PM1, PM2_supporting, PS3_moderate, PS4_supporting

NIHR Bioresource Rare Diseases, University of Cambridge
Classification: Likely pathogenic for Thrombocytopenia. Review status: no assertion criteria provided. Collection method: research. Allele origin: unknown. Affected: yes. Observed: 2 variant alleles. Not counted in ClinVar's aggregate classification.

Literature cited by the submitters: PubMed 21467542 (cited by Labcorp Genetics (formerly Invitae), Labcorp and Mayo Clinic Laboratories, Mayo Clinic); PubMed 25902755 (cited by Labcorp Genetics (formerly Invitae), Labcorp and Mayo Clinic Laboratories, Mayo Clinic); PubMed 35587581 (cited by Labcorp Genetics (formerly Invitae), Labcorp); PubMed 35796010 (cited by Labcorp Genetics (formerly Invitae), Labcorp and Mayo Clinic Laboratories, Mayo Clinic); PubMed 24430186 (cited by Mayo Clinic Laboratories, Mayo Clinic); PubMed 32581362 (cited by Mayo Clinic Laboratories, Mayo Clinic and NIHR Bioresource Rare Diseases, University of Cambridge).

NM_014915.3(ANKRD26):c.-118C>A

Gene: ANKRD26 (ankyrin repeat domain 26; minus strand). Cytogenetic location: 10p12.1.
Variant type: single nucleotide variant.
Coding change: c.-118C>A on transcript NM_014915.3 (MANE Select); 118 bases upstream of the start codon, C replaced by A.
Molecular consequence: 5 prime UTR variant.
Genome position (GRCh38, 1-based): chr10:27,100,444, G>T on the plus strand (C>A on the coding strand, the complement: ANKRD26 is on the minus strand). VCF-style: chr10-27100444-G-T. GRCh37 (hg19) VCF-style: chr10-27389373-G-T.
Other names: p.?; c.-118C>A (NM_001256053.2).
Identifiers: ClinVar variation 812726 (VCV000812726.7), dbSNP rs1589393759, ClinGen allele CA913185914.
Genomic context (GRCh38, chr10:27,100,444, plus strand): 5'-CCGGAGCCCAACATAACAAGTCAGCCCCGGCTGGCCGCAGCCTCCCAAAGGAAACTCCGC[G>T]GTTTCCAATCTCTCCCTCCGGGTTACCAAGCAAGCGATCCCGCTAGACACAAGTGCGCAT-3'